The following is an entry in ClinVar:

ClinVar aggregate classification (germline): Uncertain significance (1 of 4 stars; one submission).

Conditions:
Hereditary sensory and autonomic neuropathy type 7. Also called: Neuropathy, hereditary sensory and autonomic, type VII; HSAN VII. Identifiers: Orphanet 391397, MedGen C3809882, MONDO:0014244, OMIM 615548.
Familial episodic pain syndrome with predominantly lower limb involvement. Also called: Episodic pain syndrome, familial, 3. Identifiers: Orphanet 391384, Orphanet 391392, MedGen C3809899, MONDO:0014247, OMIM 615552.

Submission:

Labcorp Genetics (formerly Invitae), Labcorp
Classification: Uncertain significance for Familial episodic pain syndrome with predominantly lower limb involvement; Hereditary sensory and autonomic neuropathy type 7. Last evaluated: 2022-07-06. Review status: criteria provided, single submitter. Criteria: Invitae Variant Classification Sherloc (09022015). Collection method: clinical testing. Allele origin: germline.
Comment: Algorithms developed to predict the effect of sequence changes on RNA splicing suggest that this variant may create or strengthen a splice site. In summary, the available evidence is currently insufficient to determine the role of this variant in disease. Therefore, it has been classified as a Variant of Uncertain Significance. Algorithms developed to predict the effect of missense changes on protein structure and function are either unavailable or do not agree on the potential impact of this missense change (SIFT: "Deleterious"; PolyPhen-2: "Benign"; Align-GVGD: "Class C25"). This variant has not been reported in the literature in individuals affected with SCN11A-related conditions. This variant is not present in population databases (gnomAD no frequency). This sequence change replaces lysine, which is basic and polar, with arginine, which is basic and polar, at codon 1342 of the SCN11A protein (p.Lys1342Arg).

NM_001349253.2(SCN11A):c.4025A>G (p.Lys1342Arg)

Gene: SCN11A (sodium voltage-gated channel alpha subunit 11; minus strand). Cytogenetic location: 3p22.2.
Variant type: single nucleotide variant.
Coding change: c.4025A>G on transcript NM_001349253.2 (MANE Select); coding-DNA position 4025, A replaced by G.
Protein change: p.Lys1342Arg; replaces lysine 1342 with arginine.
Molecular consequence: missense variant.
Genome position (GRCh38, 1-based): chr3:38,863,226, T>C on the plus strand (A>G on the coding strand, the complement: SCN11A is on the minus strand). VCF-style: chr3-38863226-T-C. GRCh37 (hg19) VCF-style: chr3-38904717-T-C.
Other names: c.4025A>G, p.Lys1342Arg (NM_014139.3); short protein forms K1342R.
Identifiers: ClinVar variation 1922475 (VCV001922475.5), dbSNP rs2471008403, ClinGen allele CA352167482.